The following is an entry in ClinVar:

ClinVar aggregate classification (germline): Pathogenic (1 of 4 stars; one submission).

Conditions:
Corneal dystrophy. Identifiers: Orphanet 34533, MedGen C0010036, MONDO:0018102, HP:0001131.

Submission:

Genetics Laboratory, Great Ormond Street Hospital NHS Foundation Trust, North Thames Genomic Laboratory Hub
Classification: Pathogenic for Corneal dystrophy. Last evaluated: 2026-03-30. Review status: criteria provided, single submitter. Criteria: ACGS Best Practice Guidelines for Variant Classification in Rare Disease 2024 v1.2. Collection method: clinical testing. Allele origin: germline. Affected: yes.
Comment: PM2_moderate, PVS1_very-strong

NM_001174096.2(ZEB1):c.92C>G (p.Ser31Ter)

Gene: ZEB1 (zinc finger E-box binding homeobox 1; plus strand). Cytogenetic location: 10p11.22.
Variant type: single nucleotide variant.
Coding change: c.92C>G on transcript NM_001174096.2 (MANE Select); coding-DNA position 92, C replaced by G.
Protein change: p.Ser31Ter; replaces serine 31 with a stop codon.
Molecular consequence: nonsense. On other transcripts: 5 prime UTR variant (28), intron variant (3).
Genome position (GRCh38, 1-based): chr10:31,461,070, C>G. VCF-style: chr10-31461070-C-G. GRCh37 (hg19) VCF-style: chr10-31749999-C-G.
Other names: c.41C>G, p.Ser14Ter (NM_001128128.3, NM_001174094.2, NM_001323678.2); c.92C>G, p.Ser31Ter (NM_001174093.2, NM_001323674.2, NM_030751.6); c.-566C>G (NM_001323638.2, NM_001323642.2, NM_001323643.2 and 10 more transcripts); c.-563C>G (NM_001323641.2, NM_001323645.2, NM_001323647.2 and 10 more transcripts); c.-503C>G (NM_001323648.2, NM_001323666.2); c.50C>G, p.Ser17Ter (NM_001323675.2, NM_001323676.2, NM_001323677.2); c.-395-34709C>G (NM_001323644.2); c.59-34709C>G (NM_001174095.2); and 1 more; short protein forms S14*, S17*, S31*.
Identifiers: ClinVar variation 4851617 (VCV004851617.1).
Genomic context (GRCh38, chr10:31,461,070, plus strand): 5'-ATTATTTGTTTCTTGTTTGTATTACAGTTACAAATTATAATACTGTGGTAGAAACAAATT[C>G]AGATTCAGATGATGAAGACAAACTGCATATTGTGGAAGAAGAAAGTGTTACAGATGCAGC-3'